The following is an entry in ClinVar:

ClinVar aggregate classification (germline): Uncertain significance (1 of 4 stars; one submission).

Conditions:
RASopathy. Also called: Noonan spectrum disorder; rasopathies. Identifiers: Orphanet 536391, MedGen C5555857, MONDO:0021060.

Submission:

Labcorp Genetics (formerly Invitae), Labcorp
Classification: Uncertain significance for RASopathy. Last evaluated: 2019-04-08. Review status: criteria provided, single submitter. Criteria: Invitae Variant Classification Sherloc (09022015). Collection method: clinical testing. Allele origin: germline.
Comment: This sequence change replaces asparagine with serine at codon 553 of the RAF1 protein (p.Asn553Ser). The asparagine residue is highly conserved and there is a small physicochemical difference between asparagine and serine. This variant is not present in population databases (ExAC no frequency). This variant has not been reported in the literature in individuals with RAF1-related conditions. Algorithms developed to predict the effect of missense changes on protein structure and function are either unavailable or do not agree on the potential impact of this missense change (SIFT: "Deleterious"; PolyPhen-2: "Benign"; Align-GVGD: "Class C0"). Algorithms developed to predict the effect of sequence changes on RNA splicing suggest that this variant may create or strengthen a splice site, but this prediction has not been confirmed by published transcriptional studies. In summary, the available evidence is currently insufficient to determine the role of this variant in disease. Therefore, it has been classified as a Variant of Uncertain Significance.

NM_002880.4(RAF1):c.1658A>G (p.Asn553Ser)

Gene: RAF1 (Raf-1 proto-oncogene, serine/threonine kinase; minus strand). Cytogenetic location: 3p25.2.
Variant type: single nucleotide variant.
Coding change: c.1658A>G on transcript NM_002880.4 (MANE Select); coding-DNA position 1658, A replaced by G.
Protein change: p.Asn553Ser; replaces asparagine 553 with serine.
Molecular consequence: missense variant. On other transcripts: non-coding transcript variant (3).
Genome position (GRCh38, 1-based): chr3:12,585,132, T>C on the plus strand (A>G on the coding strand, the complement: RAF1 is on the minus strand). VCF-style: chr3-12585132-T-C. GRCh37 (hg19) VCF-style: chr3-12626631-T-C.
Other names: c.1718A>G, p.Asn573Ser (NM_001354689.3); c.1658A>G, p.Asn553Ser (NM_001354690.3); c.1415A>G, p.Asn472Ser (NM_001354691.3, NM_001354692.3); c.1559A>G, p.Asn520Ser (NM_001354693.3); c.1475A>G, p.Asn492Ser (NM_001354694.3); c.1316A>G, p.Asn439Ser (NM_001354695.3); short protein forms N553S, N573S, N472S, N520S, N439S, N492S.
Identifiers: ClinVar variation 856440 (VCV000856440.9), dbSNP rs1411490030, ClinGen allele CA351497286.